The following is an entry in ClinVar:

NM_178862.3(STT3B):c.976+14A>G

Gene: STT3B (STT3 oligosaccharyltransferase complex catalytic subunit B; plus strand). Cytogenetic location: 3p23.
Variant type: single nucleotide variant.
Coding change: c.976+14A>G on transcript NM_178862.3 (MANE Select); 14 bases into the intron after coding-DNA position 976, A replaced by G.
Molecular consequence: intron variant.
Genome position (GRCh38, 1-based): chr3:31,615,217, A>G. VCF-style: chr3-31615217-A-G. GRCh37 (hg19) VCF-style: chr3-31656709-A-G.
Identifiers: ClinVar variation 388657 (VCV000388657.2), dbSNP rs771669817, ClinGen allele CA2295070.

ClinVar aggregate classification (germline): Likely benign. Review status: criteria provided, multiple submitters, no conflicts (2 of 4 stars). 2 submissions from 2 submitters: Likely benign (2). Last evaluated 2025-07-06.

Conditions:
STT3B-congenital disorder of glycosylation. Also called: STT3B-CDG; CDG Ix; Congenital disorder of glycosylation type 1x. Identifiers: Orphanet 370924, MedGen C2931007, MONDO:0014271, OMIM 615597.

Allele frequency attached by ClinVar (database versions not stated): gnomAD exomes below 0.00001 and 0.00001; ExAC 0.00001; gnomAD 0.00001; TOPMed 0.00001.
gnomAD v4.1: 13 of 1,573,168 alleles (0.00083%); highest among the groups gnomAD compares: Middle Eastern, 0.017%; no homozygotes.

Submissions (2):

Labcorp Genetics (formerly Invitae), Labcorp
Classification: Likely benign for STT3B-congenital disorder of glycosylation. Last evaluated: 2025-07-06. Review status: criteria provided, single submitter. Criteria: Invitae Variant Classification Sherloc (09022015). Collection method: clinical testing. Allele origin: germline.

GeneDx
Classification: Likely benign. Last evaluated: 2016-08-18. Review status: criteria provided, single submitter. Criteria: GeneDx Variant Classification (06012015). Collection method: clinical testing. Allele origin: germline. Affected: yes.
Comment: This variant is considered likely benign or benign based on one or more of the following criteria: it is a conservative change, it occurs at a poorly conserved position in the protein, it is predicted to be benign by multiple in silico algorithms, and/or has population frequency not consistent with disease.